The following is an entry in ClinVar:

ClinVar aggregate classification (germline): Benign/Likely benign. Review status: criteria provided, multiple submitters, no conflicts (2 of 4 stars). 5 submissions from 5 submitters: Benign (1); Likely benign (4). Last evaluated 2026-01-08.

Conditions:
Hereditary cancer-predisposing syndrome. Also called: Neoplastic Syndromes, Hereditary; Tumor predisposition; Hereditary neoplastic syndrome; Hereditary Cancer Syndrome. Identifiers: Orphanet 140162, MedGen C0027672, MeSH D009386, MONDO:0015356.
APC-related disorder. Also called: APC-related condition.
Familial adenomatous polyposis 1 (FAP1). Also called: FAMILIAL ADENOMATOUS POLYPOSIS 1, ATTENUATED; POLYPOSIS, ADENOMATOUS INTESTINAL. Identifiers: MedGen C2713442, MONDO:0021056, OMIM 175100. Disease mechanism: loss of function.

Allele frequency attached by ClinVar (database versions not stated): gnomAD exomes below 0.00001 and 0.00001.
gnomAD v4.1: 11 of 1,614,042 alleles (0.00068%); highest among the groups gnomAD compares: Non-Finnish European, 0.00093%; no homozygotes.

Submissions (5):

PreventionGenetics, part of Exact Sciences
Classification: Likely benign for APC-related condition. Last evaluated: 2026-01-08. Review status: criteria provided, single submitter. Criteria: ACMG Guidelines, 2015. Collection method: clinical testing. Allele origin: germline.
Comment: This variant is classified as likely benign based on ACMG/AMP sequence variant interpretation guidelines (Richards et al. 2015 PMID: 25741868, with internal and published modifications).

Labcorp Genetics (formerly Invitae), Labcorp
Classification: Likely benign for Familial adenomatous polyposis 1. Last evaluated: 2024-12-23. Review status: criteria provided, single submitter. Criteria: Invitae Variant Classification Sherloc (09022015). Collection method: clinical testing. Allele origin: germline.

Myriad Genetics, Inc.
Classification: Benign for Familial adenomatous polyposis 1. Last evaluated: 2024-04-08. Review status: criteria provided, single submitter. Criteria: Myriad Autosomal Dominant, Autosomal Recessive and X-Linked Classification Criteria (2023). Collection method: clinical testing. Allele origin: unknown.
Comment: This variant is considered benign. This variant is a silent/synonymous amino acid change and it is not expected to impact splicing.

Ambry Genetics
Classification: Likely benign for Hereditary cancer-predisposing syndrome. Last evaluated: 2018-07-10. Review status: criteria provided, single submitter. Criteria: Ambry Variant Classification Scheme 2023. Collection method: clinical testing. Allele origin: germline.

Color Diagnostics, LLC DBA Color Health
Classification: Likely benign for Hereditary cancer-predisposing syndrome. Last evaluated: 2017-10-08. Review status: criteria provided, single submitter. Criteria: ACMG Guidelines, 2015. Collection method: clinical testing. Allele origin: germline.

NM_000038.6(APC):c.6912T>C (p.Ser2304=)

Gene: APC (APC regulator of Wnt signaling pathway; plus strand). Cytogenetic location: 5q22.2.
Variant type: single nucleotide variant.
Coding change: c.6912T>C on transcript NM_000038.6 (MANE Select); coding-DNA position 6912, T replaced by C.
Protein change: p.Ser2304=; no amino-acid change (serine 2304 retained).
Molecular consequence: synonymous variant.
Genome position (GRCh38, 1-based): chr5:112,842,506, T>C. VCF-style: chr5-112842506-T-C. GRCh37 (hg19) VCF-style: chr5-112178203-T-C.
Other names: c.6912T>C, p.Ser2304= (NM_001127510.3, NM_001354895.2); c.6858T>C, p.Ser2286= (NM_001127511.3); c.6966T>C, p.Ser2322= (NM_001354896.2); c.6942T>C, p.Ser2314= (NM_001354897.2); c.6837T>C, p.Ser2279= (NM_001354898.2); c.6828T>C, p.Ser2276= (NM_001354899.2); c.6789T>C, p.Ser2263= (NM_001354900.2); c.6735T>C, p.Ser2245= (NM_001354901.2); and 5 more.
Identifiers: ClinVar variation 630678 (VCV000630678.13), dbSNP rs1210017216, ClinGen allele CA446210479.